The following is an entry in ClinVar:

NM_004999.4(MYO6):c.280C>A (p.Leu94Met)

Gene: MYO6 (myosin VI; plus strand). Cytogenetic location: 6q14.1.
Variant type: single nucleotide variant.
Coding change: c.280C>A on transcript NM_004999.4 (MANE Select); coding-DNA position 280, C replaced by A.
Protein change: p.Leu94Met; replaces leucine 94 with methionine.
Molecular consequence: missense variant. On other transcripts: non-coding transcript variant (2).
Genome position (GRCh38, 1-based): chr6:75,830,434, C>A. VCF-style: chr6-75830434-C-A. GRCh37 (hg19) VCF-style: chr6-76540151-C-A.
Other names: c.280C>A, p.Leu94Met (NM_001300899.2, NM_001368136.1, NM_001368137.1 and 5 more transcripts); short protein forms L94M.
Identifiers: ClinVar variation 4741551 (VCV004741551.1).
Genomic context (GRCh38, chr6:75,830,434, plus strand): 5'-ATAGTAATTGGAATATTTTATGTTTATGCTTTTCGTATTTAGACATATGTCGCCAACATT[C>A]TGATTGCAGTGAATCCATACTTTGACATACCTAAAATATATTCTTCAGAAGCAATAAAGT-3'
Protein context (NP_004990.3, residues 84-104): DRIYTYVANI[Leu94Met]IAVNPYFDIP

ClinVar aggregate classification (germline): Uncertain significance (1 of 4 stars; one submission).

Submission:

Labcorp Genetics (formerly Invitae), Labcorp
Classification: Uncertain significance. Last evaluated: 2026-01-03. Review status: criteria provided, single submitter. Criteria: Invitae Variant Classification Sherloc (09022015). Collection method: clinical testing. Allele origin: germline.
Comment: This sequence change replaces leucine, which is neutral and non-polar, with methionine, which is neutral and non-polar, at codon 94 of the MYO6 protein (p.Leu94Met). This variant is not present in population databases (gnomAD no frequency). This variant has not been reported in the literature in individuals affected with MYO6-related conditions. Invitae Evidence Modeling of protein sequence and biophysical properties (such as structural, functional, and spatial information, amino acid conservation, physicochemical variation, residue mobility, and thermodynamic stability) indicates that this missense variant is expected to disrupt MYO6 protein function with a positive predictive value of 80%. In summary, the available evidence is currently insufficient to determine the role of this variant in disease. Therefore, it has been classified as a Variant of Uncertain Significance.